The following is an entry in ClinVar:

ClinVar aggregate classification (germline): Uncertain significance (1 of 4 stars; one submission).

Submission:

Labcorp Genetics (formerly Invitae), Labcorp
Classification: Uncertain significance. Last evaluated: 2025-05-06. Review status: criteria provided, single submitter. Criteria: Invitae Variant Classification Sherloc (09022015). Collection method: clinical testing. Allele origin: germline.
Comment: This sequence change replaces glutamic acid, which is acidic and polar, with aspartic acid, which is acidic and polar, at codon 249 of the CASQ1 protein (p.Glu249Asp). This variant is not present in population databases (gnomAD no frequency). This variant has not been reported in the literature in individuals affected with CASQ1-related conditions. Invitae Evidence Modeling of protein sequence and biophysical properties (such as structural, functional, and spatial information, amino acid conservation, physicochemical variation, residue mobility, and thermodynamic stability) indicates that this missense variant is not expected to disrupt CASQ1 protein function with a negative predictive value of 80%. In summary, the available evidence is currently insufficient to determine the role of this variant in disease. Therefore, it has been classified as a Variant of Uncertain Significance.

NM_001231.5(CASQ1):c.747A>C (p.Glu249Asp)

Gene: CASQ1 (calsequestrin 1; plus strand). Cytogenetic location: 1q23.2.
Variant type: single nucleotide variant.
Coding change: c.747A>C on transcript NM_001231.5 (MANE Select); coding-DNA position 747, A replaced by C.
Protein change: p.Glu249Asp; replaces glutamic acid 249 with aspartic acid.
Molecular consequence: missense variant.
Genome position (GRCh38, 1-based): chr1:160,195,992, A>C. VCF-style: chr1-160195992-A-C. GRCh37 (hg19) VCF-style: chr1-160165782-A-C.
Other names: short protein forms E249D.
Identifiers: ClinVar variation 4704780 (VCV004704780.1).